The following is an entry in ClinVar:

NM_025114.4(CEP290):c.2440G>T (p.Val814Leu)

Gene: CEP290 (centrosomal protein 290; minus strand). Cytogenetic location: 12q21.32.
Variant type: single nucleotide variant.
Coding change: c.2440G>T on transcript NM_025114.4 (MANE Select); coding-DNA position 2440, G replaced by T.
Protein change: p.Val814Leu; replaces valine 814 with leucine.
Molecular consequence: missense variant.
Genome position (GRCh38, 1-based): chr12:88,109,109, C>A on the plus strand (G>T on the coding strand, the complement: CEP290 is on the minus strand). VCF-style: chr12-88109109-C-A. GRCh37 (hg19) VCF-style: chr12-88502886-C-A.
Other names: c.2440G>T (NM_025114.3); short protein forms V814L.
Identifiers: ClinVar variation 1059485 (VCV001059485.10), dbSNP rs955251811, ClinGen allele CA241149233.

ClinVar aggregate classification (germline): Uncertain significance. Review status: criteria provided, multiple submitters, no conflicts (2 of 4 stars). 5 submissions from 5 submitters: Uncertain significance (4). 1 of the submissions does not count toward it. Last evaluated 2025-06-11.

Conditions:
Leber congenital amaurosis (LCA). Also called: Leber's amaurosis. Identifiers: Orphanet 65, MedGen C0339527, MeSH D057130, MONDO:0018998.
Inborn genetic diseases. Identifiers: MedGen C0950123, MeSH D030342.
Bardet-Biedl syndrome 14 (BBS14). Identifiers: Orphanet 110, MedGen C2673874, MONDO:0014442, OMIM 615991.
Senior-Loken syndrome 6 (SLSN6). Identifiers: Orphanet 3156, MedGen C1857779, MONDO:0012433, OMIM 610189.
Joubert syndrome 5 (JBTS5). Identifiers: Orphanet 2318, MedGen C1857780, MONDO:0012432, OMIM 610188.
Leber congenital amaurosis 10 (LCA10). Identifiers: Orphanet 65, MedGen C1857821, MONDO:0012723, OMIM 611755.
Meckel syndrome, type 4 (MKS4). Also called: MECKEL-GRUBER SYNDROME, TYPE 4. Identifiers: Orphanet 564, MedGen C1970161, MONDO:0012626, OMIM 611134.
Meckel-Gruber syndrome. Also called: Dysencephalia splachnocystica; GRUBER SYNDROME; DYSENCEPHALIA SPLANCHNOCYSTICA. Identifiers: Orphanet 564, MedGen C0265215, MONDO:0018921.
Joubert syndrome. Also called: JOUBERT-BOLTSHAUSER SYNDROME; Familial aplasia of the vermis. Identifiers: Orphanet 475, MedGen C5979921, MONDO:0018772.
Nephronophthisis. Also called: Juvenile Nephronophthisis. Identifiers: Orphanet 655, MedGen C0687120, MONDO:0019005, HP:0000090.

Allele frequency attached by ClinVar (database versions not stated): gnomAD exomes below 0.00001.
gnomAD v4.1: 1 of 1,461,878 alleles (0.000068%); highest among the groups gnomAD compares: Admixed American, 0.0025%; no homozygotes.

Submissions (5):

Ambry Genetics
Classification: Uncertain significance for Inborn genetic diseases. Last evaluated: 2025-06-11. Review status: criteria provided, single submitter. Criteria: Ambry Variant Classification Scheme 2023. Collection method: clinical testing. Allele origin: germline.

Blueprint Genetics
Classification: Uncertain significance. Last evaluated: 2022-11-18. Review status: criteria provided, single submitter. Criteria: ACMG Guidelines, 2015. Collection method: clinical testing. Allele origin: germline.

Labcorp Genetics (formerly Invitae), Labcorp
Classification: Uncertain significance for Joubert syndrome; Meckel-Gruber syndrome; Nephronophthisis. Last evaluated: 2022-08-09. Review status: criteria provided, single submitter. Criteria: Invitae Variant Classification Sherloc (09022015). Collection method: clinical testing. Allele origin: germline.
Comment: This sequence change replaces valine, which is neutral and non-polar, with leucine, which is neutral and non-polar, at codon 814 of the CEP290 protein (p.Val814Leu). This variant is not present in population databases (gnomAD no frequency). This variant has not been reported in the literature in individuals affected with CEP290-related conditions. ClinVar contains an entry for this variant (Variation ID: 1059485). Algorithms developed to predict the effect of missense changes on protein structure and function are either unavailable or do not agree on the potential impact of this missense change (SIFT: "Tolerated"; PolyPhen-2: "Possibly Damaging"; Align-GVGD: "Class C0"). In summary, the available evidence is currently insufficient to determine the role of this variant in disease. Therefore, it has been classified as a Variant of Uncertain Significance.

Fulgent Genetics
Classification: Uncertain significance for Joubert syndrome 5; Senior-Loken syndrome 6; Meckel syndrome, type 4; Leber congenital amaurosis 10; Bardet-Biedl syndrome 14. Last evaluated: 2022-04-19. Review status: criteria provided, single submitter. Criteria: ACMG Guidelines, 2015. Collection method: clinical testing. Allele origin: unknown.

Natera, Inc.
Classification: Uncertain significance for Leber congenital amaurosis. Last evaluated: 2020-02-05. Review status: no assertion criteria provided. Collection method: clinical testing. Allele origin: germline. Not counted in ClinVar's aggregate classification.